The following is an entry in ClinVar:

ClinVar aggregate classification (germline): Uncertain significance (1 of 4 stars; one submission).

gnomAD v4.1: 6 of 1,597,532 alleles (0.00038%); highest among the groups gnomAD compares: Non-Finnish European, 0.00042%; no homozygotes.

Submission:

GeneDx
Classification: Uncertain significance. Last evaluated: 2025-01-02. Review status: criteria provided, single submitter. Criteria: GeneDx Variant Classification Process June 2021. Collection method: clinical testing. Allele origin: germline. Affected: yes.
Comment: Not observed at significant frequency in large population cohorts (gnomAD); In silico analysis supports that this missense variant has a deleterious effect on protein structure/function; Has not been previously published as pathogenic or benign to our knowledge

NM_001363118.2(SLC52A2):c.1094T>C (p.Leu365Pro)

Gene: SLC52A2 (solute carrier family 52 member 2; plus strand). Cytogenetic location: 8q24.3.
Variant type: single nucleotide variant.
Coding change: c.1094T>C on transcript NM_001363118.2 (MANE Select); coding-DNA position 1094, T replaced by C.
Protein change: p.Leu365Pro; replaces leucine 365 with proline.
Molecular consequence: missense variant. On other transcripts: non-coding transcript variant (1).
Genome position (GRCh38, 1-based): chr8:144,360,682, T>C. VCF-style: chr8-144360682-T-C. GRCh37 (hg19) VCF-style: chr8-145584342-T-C.
Other names: c.1094T>C, p.Leu365Pro (NM_001253815.2, NM_001253816.2, NM_001363120.2 and 2 more transcripts); c.602T>C, p.Leu201Pro (NM_001363122.2); c.830T>C, p.Leu277Pro (NM_001410949.1); short protein forms L365P, L201P, L277P.
Identifiers: ClinVar variation 4055951 (VCV004055951.1).